The following is an entry in ClinVar:

ClinVar aggregate classification (germline): Conflicting classifications of pathogenicity. Review status: criteria provided, conflicting classifications (1 of 4 stars). 2 submissions from 2 submitters: Uncertain significance (1); Likely benign (1). Last evaluated 2025-02-16.

Allele frequency attached by ClinVar (database versions not stated): ExAC 0.00001; gnomAD 0.00001; TOPMed 0.00001.
gnomAD v4.1: 16 of 1,613,458 alleles (0.00099%); highest among the groups gnomAD compares: African/African-American, 0.0027%; no homozygotes.

Submissions (2):

Laboratory of Genetics, Children's Clinical University Hospital Latvia
Classification: Likely benign. Last evaluated: 2025-02-16. Review status: criteria provided, single submitter. Criteria: ACMG Guidelines, 2015. Collection method: clinical testing. Allele origin: germline. Affected: yes.

Labcorp Genetics (formerly Invitae), Labcorp
Classification: Uncertain significance. Last evaluated: 2022-07-25. Review status: criteria provided, single submitter. Criteria: Invitae Variant Classification Sherloc (09022015). Collection method: clinical testing. Allele origin: germline.
Comment: In summary, the available evidence is currently insufficient to determine the role of this variant in disease. Therefore, it has been classified as a Variant of Uncertain Significance. Algorithms developed to predict the effect of missense changes on protein structure and function are either unavailable or do not agree on the potential impact of this missense change (SIFT: "Deleterious"; PolyPhen-2: "Probably Damaging"; Align-GVGD: "Class C0"). This variant has not been reported in the literature in individuals affected with SETD1A-related conditions. This variant is present in population databases (rs771239116, gnomAD 0.004%). This sequence change replaces arginine, which is basic and polar, with tryptophan, which is neutral and slightly polar, at codon 299 of the SETD1A protein (p.Arg299Trp).

NM_014712.3(SETD1A):c.895C>T (p.Arg299Trp)

Gene: SETD1A (SET domain containing 1A, histone lysine methyltransferase; plus strand). Cytogenetic location: 16p11.2.
Variant type: single nucleotide variant.
Coding change: c.895C>T on transcript NM_014712.3 (MANE Select); coding-DNA position 895, C replaced by T.
Protein change: p.Arg299Trp; replaces arginine 299 with tryptophan.
Molecular consequence: missense variant.
Genome position (GRCh38, 1-based): chr16:30,964,637, C>T. VCF-style: chr16-30964637-C-T. GRCh37 (hg19) VCF-style: chr16-30975958-C-T.
Other names: short protein forms R299W.
Identifiers: ClinVar variation 2172135 (VCV002172135.5), dbSNP rs771239116, ClinGen allele CA8016544.